The following is an entry in ClinVar:

NM_001868.4(CPA1):c.199G>A (p.Val67Met)

Gene: CPA1 (carboxypeptidase A1; plus strand). Cytogenetic location: 7q32.2.
Variant type: single nucleotide variant.
Coding change: c.199G>A on transcript NM_001868.4 (MANE Select); coding-DNA position 199, G replaced by A.
Protein change: p.Val67Met; replaces valine 67 with methionine.
Molecular consequence: missense variant.
Genome position (GRCh38, 1-based): chr7:130,381,681, G>A. VCF-style: chr7-130381681-G-A. GRCh37 (hg19) VCF-style: chr7-130021522-G-A.
Other names: short protein forms V67M.
Identifiers: ClinVar variation 3496181 (VCV003496181.1).

ClinVar aggregate classification (germline): Uncertain significance (1 of 4 stars; one submission).

Conditions:
Hereditary pancreatitis (PCTT). Also called: Hereditary chronic pancreatitis; PRSS1-Related Hereditary Pancreatitis. Identifiers: Orphanet 676, MedGen C0238339, MONDO:0008185, OMIM 167800.

Submission:

Ambry Genetics
Classification: Uncertain significance for Hereditary pancreatitis. Last evaluated: 2024-07-06. Review status: criteria provided, single submitter. Criteria: Ambry Variant Classification Scheme 2023. Collection method: clinical testing. Allele origin: germline.
Comment: The p.V67M variant (also known as c.199G>A), located in coding exon 3 of the CPA1 gene, results from a G to A substitution at nucleotide position 199. The valine at codon 67 is replaced by methionine, an amino acid with highly similar properties. This amino acid position is conserved. In addition, the in silico prediction for this alteration is inconclusive. Based on the available evidence, the clinical significance of this variant remains unclear.